The following is an entry in ClinVar:

ClinVar aggregate classification (germline): Uncertain significance (1 of 4 stars; one submission).

Conditions:
Anemia, nonspherocytic hemolytic, due to G6PD deficiency (CNSHA1). Also called: Hemolytic anemia due to G6PD deficiency; Favism, susceptibility to; Class I glucose-6-phosphate dehydrogenase deficiency; ANEMIA, CONGENITAL, NONSPHEROCYTIC HEMOLYTIC, 1. Identifiers: Orphanet 466026, MedGen C2720289, MONDO:0010480, OMIM 300908.

Submission:

Dunham Lab, University of Washington
Classification: Uncertain significance for Anemia, nonspherocytic hemolytic, due to G6PD deficiency. Last evaluated: 2022-08-12. Review status: criteria provided, single submitter. Criteria: Bayesian ACMG Guidelines, 2018. Collection method: curation. Allele origin: unknown. Affected: yes.
Comment: Variant found in hemizygotes with deficiency (PP4). Decreased activity in red blood cells (2%) (PS3). Post_P 0.812 (odds of pathogenicity 38.9, Prior_P 0.1).

Literature cited by the submitters: PubMed 23006493.

NM_001360016.2(G6PD):c.[202G>A;376A>G563C>T]

Variant type: Haplotype.
Identifiers: ClinVar variation 1722697 (VCV001722697.2).